The following is an entry in ClinVar:

NM_005751.5(AKAP9):c.4607A>G (p.His1536Arg)

Gene: AKAP9 (A-kinase anchoring protein 9; plus strand). Cytogenetic location: 7q21.2.
Variant type: single nucleotide variant.
Coding change: c.4607A>G on transcript NM_005751.5 (MANE Select); coding-DNA position 4607, A replaced by G.
Protein change: p.His1536Arg; replaces histidine 1536 with arginine.
Molecular consequence: missense variant.
Genome position (GRCh38, 1-based): chr7:92,038,687, A>G. VCF-style: chr7-92038687-A-G. GRCh37 (hg19) VCF-style: chr7-91668001-A-G.
Other names: c.4607A>G, p.His1536Arg (NM_147185.3); short protein forms H1536R.
Identifiers: ClinVar variation 2497357 (VCV002497357.2), dbSNP rs937791197, ClinGen allele CA368129148.
Genomic context (GRCh38, chr7:92,038,687, plus strand): 5'-CACTTAGTAAAGAGTTAGGAGAACATGGAAAGGAAATTTTATTATCAAATAGTGATCCCC[A>G]TGATATACCAGAATCAAAGGACTGTGTGCTGACTATTTCAGAAGAAATGTTCTCCAAAGA-3'
Protein context (NP_005742.4, residues 1526-1546): KEILLSNSDP[His1536Arg]DIPESKDCVL

ClinVar aggregate classification (germline): Uncertain significance (1 of 4 stars; one submission).

Conditions:
Cardiovascular phenotype. Identifiers: MedGen CN230736.

gnomAD v4.1: 3 of 1,608,090 alleles (0.00019%); highest among the groups gnomAD compares: East Asian, 0.0022%; no homozygotes.

Submission:

Ambry Genetics
Classification: Uncertain significance for Cardiovascular phenotype. Last evaluated: 2022-12-14. Review status: criteria provided, single submitter. Criteria: Ambry Variant Classification Scheme 2023. Collection method: clinical testing. Allele origin: germline.
Comment: The p.H1536R variant (also known as c.4607A>G), located in coding exon 17 of the AKAP9 gene, results from an A to G substitution at nucleotide position 4607. The histidine at codon 1536 is replaced by arginine, an amino acid with highly similar properties. This amino acid position is conserved. In addition, this alteration is predicted to be tolerated by in silico analysis. Since supporting evidence is limited at this time, the clinical significance of this alteration remains unclear.